The following is an entry in ClinVar:

ClinVar aggregate classification (germline): Uncertain significance. Review status: criteria provided, single submitter (1 of 4 stars). 2 submissions from 2 submitters: Uncertain significance (1). 1 of the submissions does not count toward it. Last evaluated 2025-08-21.

Conditions:
PLXNA2-related disorder. Also called: PLXNA2-related condition.

Allele frequency attached by ClinVar (database versions not stated): gnomAD 0.00001; ExAC 0.00002; gnomAD exomes 0.00002; TOPMed 0.00002; ESP Exome Variant Server 0.00008.
gnomAD v4.1: 29 of 1,614,042 alleles (0.0018%); highest among the groups gnomAD compares: Middle Eastern, 0.016%; no homozygotes.

Submissions (2):

Ambry Genetics
Classification: Uncertain significance. Last evaluated: 2025-08-21. Review status: criteria provided, single submitter. Criteria: Ambry Variant Classification Scheme 2023. Collection method: clinical testing. Allele origin: germline.

PreventionGenetics, part of Exact Sciences
Classification: Uncertain significance for PLXNA2-related condition. Last evaluated: 2024-05-16. Review status: no assertion criteria provided. Collection method: clinical testing. Allele origin: germline. Not counted in ClinVar's aggregate classification.
Comment: The PLXNA2 c.4981G>A variant is predicted to result in the amino acid substitution p.Gly1661Ser. To our knowledge, this variant has not been reported in the literature. This variant is reported in 0.0054% of alleles in individuals of East Asian descent in gnomAD. At this time, the clinical significance of this variant is uncertain due to the absence of conclusive functional and genetic evidence.

NM_025179.4(PLXNA2):c.4981G>A (p.Gly1661Ser)

Gene: PLXNA2 (plexin A2; minus strand). Cytogenetic location: 1q32.2.
Variant type: single nucleotide variant.
Coding change: c.4981G>A on transcript NM_025179.4 (MANE Select); coding-DNA position 4981, G replaced by A.
Protein change: p.Gly1661Ser; replaces glycine 1661 with serine.
Molecular consequence: missense variant.
Genome position (GRCh38, 1-based): chr1:208,033,393, C>T on the plus strand (G>A on the coding strand, the complement: PLXNA2 is on the minus strand). VCF-style: chr1-208033393-C-T. GRCh37 (hg19) VCF-style: chr1-208206738-C-T.
Other names: short protein forms G1661S.
Identifiers: ClinVar variation 3036493 (VCV003036493.3), dbSNP rs141503079, ClinGen allele CA1372700.